The following is an entry in ClinVar:

NM_001163435.3(TBCK):c.775_777del (p.Ser259del)

Gene: TBCK (TBC1 domain containing kinase; minus strand). Cytogenetic location: 4q24.
Variant type: Deletion.
Coding change: c.775_777del on transcript NM_001163435.3 (MANE Select); coding-DNA positions 775 to 777, 3 bases deleted (TCT; older notation c.775_777delTCT).
Protein change: p.Ser259del; deletes serine 259.
Molecular consequence: inframe deletion.
Genome position (GRCh38, 1-based): chr4:106,248,250-106,248,252, AGA deleted on the plus strand (TCT on the coding strand, the reverse complement: TBCK is on the minus strand); deleting any 3 consecutive bases within chr4:106,248,250-106,248,254 gives the same sequence; the c. name uses the placement nearest the transcript's 3' end. VCF-style (leftmost placement, unchanged base first): chr4-106248249-TAGA-T. GRCh37 (hg19) VCF-style: chr4-107169406-TAGA-T.
Other names: c.775_777del, p.Ser259del (NM_001163436.4); c.658_660del, p.Ser220del (NM_001163437.3); c.259_261del, p.Ser87del (NM_001290768.2); c.586_588del, p.Ser196del (NM_033115.5); short protein forms S196del, S220del, S87del, S259del.
Identifiers: ClinVar variation 2124862 (VCV002124862.2), dbSNP rs772584843, ClinGen allele CA3035308.

ClinVar aggregate classification (germline): Uncertain significance (1 of 4 stars; one submission).

Submission:

Labcorp Genetics (formerly Invitae), Labcorp
Classification: Uncertain significance. Last evaluated: 2022-07-31. Review status: criteria provided, single submitter. Criteria: Invitae Variant Classification Sherloc (09022015). Collection method: clinical testing. Allele origin: germline.
Comment: In summary, the available evidence is currently insufficient to determine the role of this variant in disease. Therefore, it has been classified as a Variant of Uncertain Significance. Experimental studies and prediction algorithms are not available or were not evaluated, and the functional significance of this variant is currently unknown. This variant has not been reported in the literature in individuals affected with TBCK-related conditions. This variant is present in population databases (rs772584843, gnomAD 0.003%). This variant, c.775_777del, results in the deletion of 1 amino acid(s) of the TBCK protein (p.Ser259del), but otherwise preserves the integrity of the reading frame.